The following is an entry in ClinVar:

NM_145239.3(PRRT2):c.8C>G (p.Ala3Gly)

Genes: MVP-DT (MVP divergent transcript; minus strand), PRRT2 (proline rich transmembrane protein 2; plus strand). Cytogenetic location: 16p11.2.
Variant type: single nucleotide variant.
Coding change: c.8C>G on transcript NM_145239.3 (MANE Select); coding-DNA position 8, C replaced by G.
Protein change: p.Ala3Gly; replaces alanine 3 with glycine.
Molecular consequence: missense variant.
Genome position (GRCh38, 1-based): chr16:29,813,062, C>G. VCF-style: chr16-29813062-C-G. GRCh37 (hg19) VCF-style: chr16-29824383-C-G.
Other names: c.8C>G, p.Ala3Gly (NM_001256442.2, NM_001256443.2); short protein forms A3G.
Identifiers: ClinVar variation 448134 (VCV000448134.13), dbSNP rs1555502548, ClinGen allele CA395476977.

ClinVar aggregate classification (germline): Uncertain significance. Review status: criteria provided, multiple submitters, no conflicts (2 of 4 stars). 2 submissions from 2 submitters: Uncertain significance (2). Last evaluated 2024-06-05.

Conditions:
Episodic kinesigenic dyskinesia (EKD). Also called: Paroxysmal kinesigenic dyskinesia. Identifiers: Orphanet 98809, MedGen C1868682, MONDO:0044202.

Allele frequency attached by ClinVar (database versions not stated): TOPMed below 0.00001.

Submissions (2):

Athena Diagnostics
Classification: Uncertain significance. Last evaluated: 2024-06-05. Review status: criteria provided, single submitter. Criteria: Athena Diagnostics Criteria. Collection method: clinical testing. Allele origin: unknown.
Comment: Available data are insufficient to determine the clinical significance of the variant at this time. This variant has not been reported in large, multi-ethnic general populations. Polyphen and MutationTaster predict this amino acid change may be benign.

Labcorp Genetics (formerly Invitae), Labcorp
Classification: Uncertain significance for Episodic kinesigenic dyskinesia. Last evaluated: 2020-02-04. Review status: criteria provided, single submitter. Criteria: Invitae Variant Classification Sherloc (09022015). Collection method: clinical testing. Allele origin: germline.
Comment: In summary, the available evidence is currently insufficient to determine the role of this variant in disease. Therefore, it has been classified as a Variant of Uncertain Significance. Algorithms developed to predict the effect of missense changes on protein structure and function are either unavailable or do not agree on the potential impact of this missense change (SIFT: "Deleterious"; PolyPhen-2: "Benign"; Align-GVGD: "Class C0"). This variant has not been reported in the literature in individuals with PRRT2-related conditions. ClinVar contains an entry for this variant (Variation ID: 448134). This variant is not present in population databases (ExAC no frequency). This sequence change replaces alanine with glycine at codon 3 of the PRRT2 protein (p.Ala3Gly). The alanine residue is highly conserved and there is a small physicochemical difference between alanine and glycine.